The following is an entry in ClinVar:

NM_001114122.3(CHEK1):c.516A>G (p.Pro172=)

Gene: CHEK1 (checkpoint kinase 1; plus strand). Cytogenetic location: 11q24.2.
Variant type: single nucleotide variant.
Coding change: c.516A>G on transcript NM_001114122.3 (MANE Select); coding-DNA position 516, A replaced by G.
Protein change: p.Pro172=; no amino-acid change (proline 172 retained).
Molecular consequence: synonymous variant. On other transcripts: non-coding transcript variant (2).
Genome position (GRCh38, 1-based): chr11:125,633,254, A>G. VCF-style: chr11-125633254-A-G. GRCh37 (hg19) VCF-style: chr11-125503149-A-G.
Other names: c.516A>G, p.Pro172= (NM_001114121.2, NM_001244846.1, NM_001274.5); c.213A>G, p.Pro71= (NM_001330427.2); c.234A>G, p.Pro78= (NM_001330428.1).
Identifiers: ClinVar variation 4821452 (VCV004821452.4).

ClinVar aggregate classification (germline): Likely benign (1 of 4 stars; one submission).

gnomAD v4.1: 25 of 1,607,532 alleles (0.0016%); highest among the groups gnomAD compares: African/African-American, 0.0027%; no homozygotes.

Submission:

CeGaT Center for Human Genetics Tuebingen
Classification: Likely benign. Last evaluated: 2026-03-01. Review status: criteria provided, single submitter. Criteria: CeGaT Center For Human Genetics Tuebingen Variant Classification Criteria Version 2. Collection method: clinical testing. Allele origin: germline. Affected: yes. Observed: 1 variant allele.
Comment: CHEK1: BP4, BP7